The following is an entry in ClinVar:

NM_080680.3(COL11A2):c.1818+42G>A

Gene: COL11A2 (collagen type XI alpha 2 chain; minus strand). Cytogenetic location: 6p21.32.
Variant type: single nucleotide variant.
Coding change: c.1818+42G>A on transcript NM_080680.3 (MANE Select); 42 bases into the intron after coding-DNA position 1818, G replaced by A.
Molecular consequence: intron variant.
Genome position (GRCh38, 1-based): chr6:33,178,266, C>T on the plus strand (G>A on the coding strand, the complement: COL11A2 is on the minus strand). VCF-style: chr6-33178266-C-T. GRCh37 (hg19) VCF-style: chr6-33146043-C-T.
Other names: c.1497+42G>A (NM_080679.3); c.1560+42G>A (NM_080681.3).
Identifiers: ClinVar variation 675905 (VCV000675905.1), dbSNP rs73741534, ClinGen allele CA3751184.

ClinVar aggregate classification (germline): Likely benign (1 of 4 stars; one submission).

Allele frequency attached by ClinVar (database versions not stated): gnomAD exomes 0.00193 and 0.00251; ExAC 0.00241; 1000 Genomes Project 0.00399; 1000 Genomes Project 30x 0.00422; ESP Exome Variant Server 0.00569; gnomAD 0.00611 and 0.00665; TOPMed 0.00708.
gnomAD v4.1: 3,788 of 1,612,738 alleles (0.23%); highest among the groups gnomAD compares: African/African-American, 1.8%; 16 homozygotes.

Submission:

GeneDx
Classification: Likely benign. Last evaluated: 2018-06-19. Review status: criteria provided, single submitter. Criteria: GeneDx Variant Classification (06012015). Collection method: clinical testing. Allele origin: germline. Affected: yes.
Comment: This variant is considered likely benign or benign based on one or more of the following criteria: it is a conservative change, it occurs at a poorly conserved position in the protein, it is predicted to be benign by multiple in silico algorithms, and/or has population frequency not consistent with disease.